The following is an entry in ClinVar:

ClinVar aggregate classification (germline): Likely pathogenic (1 of 4 stars; one submission).

Conditions:
Developmental and epileptic encephalopathy, 69. Also called: EPILEPTIC ENCEPHALOPATHY, EARLY INFANTILE, 69. Identifiers: MedGen C4748988, MONDO:0032657, OMIM 618285.

Submission:

Victorian Clinical Genetics Services, Murdoch Childrens Research Institute
Classification: Likely pathogenic for Developmental and epileptic encephalopathy, 69. Last evaluated: 2023-07-16. Review status: criteria provided, single submitter. Criteria: ACMG Guidelines, 2015. Collection method: clinical testing. Allele origin: germline. Inheritance: Autosomal dominant inheritance. Affected: yes.
Comment: Based on the classification scheme VCGS_Germline_v1.3.4, this variant is classified as Likely pathogenic. Following criteria are met: 0101 - Gain of function is a known mechanism of disease in this gene and is associated with developmental and epileptic encephalopathy 69 (MIM#618285; PMID: 30343943). (I) 0107 - This gene is associated with autosomal dominant disease. (I) 0200 - Variant is predicted to result in a missense amino acid change from alanine to threonine. (I) 0251 - This variant is heterozygous. (I) 0301 - Variant is absent from gnomAD (both v2 and v3). (SP) 0501 - Missense variant consistently predicted to be damaging by multiple in silico tools or highly conserved with a major amino acid change. (SP) 0600 - Variant is located in the annotated ion transport protein domain (DECIPHER). (I) 0705 - No comparable missense variants have previous evidence for pathogenicity. (I) 0807 - This variant has no previous evidence of pathogenicity. (I) 0905 - No published segregation evidence has been identified for this variant. (I) 1007 - No published functional evidence has been identified for this variant. (SP) Legend: (SP) - Supporting pathogenic, (I) - Information, (SB) - Supporting benign

Literature cited by the submitters: PubMed 30343943.

NM_001205293.3(CACNA1E):c.3697G>A (p.Ala1233Thr)

Gene: CACNA1E (calcium voltage-gated channel subunit alpha1 E; plus strand). Cytogenetic location: 1q25.3.
Variant type: single nucleotide variant.
Coding change: c.3697G>A on transcript NM_001205293.3 (MANE Select); coding-DNA position 3697, G replaced by A.
Protein change: p.Ala1233Thr; replaces alanine 1233 with threonine.
Molecular consequence: missense variant.
Genome position (GRCh38, 1-based): chr1:181,739,231, G>A. VCF-style: chr1-181739231-G-A. GRCh37 (hg19) VCF-style: chr1-181708367-G-A.
Other names: c.3697G>A, p.Ala1233Thr (NM_000721.4); c.3640G>A, p.Ala1214Thr (NM_001205294.2); short protein forms A1214T, A1233T.
Identifiers: ClinVar variation 3254659 (VCV003254659.1), dbSNP rs2528786590.